The following is an entry in ClinVar:

NM_005219.5(DIAPH1):c.3182A>G (p.Gln1061Arg)

Gene: DIAPH1 (diaphanous related formin 1; minus strand). Cytogenetic location: 5q31.3.
Variant type: single nucleotide variant.
Coding change: c.3182A>G on transcript NM_005219.5 (MANE Select); coding-DNA position 3182, A replaced by G.
Protein change: p.Gln1061Arg; replaces glutamine 1061 with arginine.
Molecular consequence: missense variant.
Genome position (GRCh38, 1-based): chr5:141,527,664, T>C on the plus strand (A>G on the coding strand, the complement: DIAPH1 is on the minus strand). VCF-style: chr5-141527664-T-C. GRCh37 (hg19) VCF-style: chr5-140907231-T-C.
Other names: c.3155A>G, p.Gln1052Arg (NM_001079812.3); c.3182A>G, p.Gln1061Arg (NM_001314007.2); short protein forms Q1061R, Q1052R.
Identifiers: ClinVar variation 2951633 (VCV002951633.3), dbSNP rs2513621826, ClinGen allele CA361581570.

ClinVar aggregate classification (germline): Uncertain significance (1 of 4 stars; one submission).

Conditions:
Autosomal dominant nonsyndromic hearing loss 1. Also called: KONIGSMARK SYNDROME; DEAFNESS, AUTOSOMAL DOMINANT 1, WITH OR WITHOUT THROMBOCYTOPENIA. Identifiers: Orphanet 90635, MedGen C1852282, MONDO:0007424, OMIM 124900.
Progressive microcephaly-seizures-cortical blindness-developmental delay syndrome. Also called: Seizures, cortical blindness, and microcephaly syndrome. Identifiers: Orphanet 477814, MedGen C5567650, MONDO:0014714, OMIM 616632.

Submission:

Labcorp Genetics (formerly Invitae), Labcorp
Classification: Uncertain significance for Progressive microcephaly-seizures-cortical blindness-developmental delay syndrome; Autosomal dominant nonsyndromic hearing loss 1. Last evaluated: 2024-02-14. Review status: criteria provided, single submitter. Criteria: Invitae Variant Classification Sherloc (09022015). Collection method: clinical testing. Allele origin: germline.
Comment: This sequence change replaces glutamine, which is neutral and polar, with arginine, which is basic and polar, at codon 1061 of the DIAPH1 protein (p.Gln1061Arg). This variant is not present in population databases (gnomAD no frequency). This variant has not been reported in the literature in individuals affected with DIAPH1-related conditions. An algorithm developed to predict the effect of missense changes on protein structure and function (PolyPhen-2) suggests that this variant is likely to be tolerated. In summary, the available evidence is currently insufficient to determine the role of this variant in disease. Therefore, it has been classified as a Variant of Uncertain Significance.